The following is an entry in ClinVar:

NM_000069.3(CACNA1S):c.1223T>A (p.Ile408Asn)

Gene: CACNA1S (calcium voltage-gated channel subunit alpha1 S; minus strand). Cytogenetic location: 1q32.1.
Variant type: single nucleotide variant.
Coding change: c.1223T>A on transcript NM_000069.3 (MANE Select); coding-DNA position 1223, T replaced by A.
Protein change: p.Ile408Asn; replaces isoleucine 408 with asparagine.
Molecular consequence: missense variant.
Genome position (GRCh38, 1-based): chr1:201,084,959, A>T on the plus strand (T>A on the coding strand, the complement: CACNA1S is on the minus strand). VCF-style: chr1-201084959-A-T. GRCh37 (hg19) VCF-style: chr1-201054087-A-T.
Other names: short protein forms I408N.
Identifiers: ClinVar variation 3386388 (VCV003386388.1).

ClinVar aggregate classification (germline): Uncertain significance (1 of 4 stars; one submission).

Conditions:
Malignant hyperthermia, susceptibility to, 5 (MHS5). Also called: CACNA1S-Related Malignant Hyperthermia Susceptibility. Identifiers: Orphanet 423, MedGen C1866077, MONDO:0011163, OMIM 601887.

gnomAD v4.1: 4 of 1,612,126 alleles (0.00025%); highest among the groups gnomAD compares: Non-Finnish European, 0.00017%; no homozygotes.

Submission:

All of Us Research Program, National Institutes of Health
Classification: Uncertain significance for Malignant hyperthermia, susceptibility to, 5. Last evaluated: 2024-06-17. Review status: criteria provided, single submitter. Criteria: ACMG Guidelines, 2015. Collection method: clinical testing. Allele origin: germline. Inheritance: Autosomal dominant inheritance. Observed: 1 variant allele, 1 heterozygote.
Comment: This missense variant replaces isoleucine with asparagine at codon 408 of the CACNA1S protein. Computational prediction is inconclusive regarding the impact of this variant on protein structure and function (internally defined REVEL score threshold 0.5 < inconclusive < 0.7, PMID: 27666373). To our knowledge, functional studies have not been reported for this variant. This variant has not been reported in individuals affected with CACNA1S-related disorders in the literature. This variant has not been identified in the general population by the Genome Aggregation Database (gnomAD). The available evidence is insufficient to determine the role of this variant in disease conclusively. Therefore, this variant is classified as a Variant of Uncertain Significance.

This study involves interpretation of variants in research participants for the purpose of population health screening. Participant phenotype was not available at the time of variant classification. Additional details can be found in publication PMID: 35346344, PMCID: PMC8962531